The following is an entry in ClinVar:

NM_022124.6(CDH23):c.4664G>A (p.Arg1555His)

Gene: CDH23 (cadherin related 23; plus strand). Cytogenetic location: 10q22.1.
Variant type: single nucleotide variant.
Coding change: c.4664G>A on transcript NM_022124.6 (MANE Select); coding-DNA position 4664, G replaced by A.
Protein change: p.Arg1555His; replaces arginine 1555 with histidine.
Molecular consequence: missense variant.
Genome position (GRCh38, 1-based): chr10:71,741,740, G>A. VCF-style: chr10-71741740-G-A. GRCh37 (hg19) VCF-style: chr10-73501497-G-A.
Other names: short protein forms R1555H.
Identifiers: ClinVar variation 162912 (VCV000162912.12), dbSNP rs727502927, ClinGen allele CA175492.

ClinVar aggregate classification (germline): Uncertain significance. Review status: criteria provided, multiple submitters, no conflicts (2 of 4 stars). 6 submissions from 6 submitters: Uncertain significance (5). 1 of the submissions does not count toward it. Last evaluated 2025-12-02.

Conditions:
CDH23-related disorder. Also called: CDH23-related condition; CDH23-related disorders.
Usher syndrome type 1 (USH1). Also called: RETINITIS PIGMENTOSA AND CONGENITAL DEAFNESS. Identifiers: Orphanet 231169, Orphanet 886, MedGen C1568247, MONDO:0010168, OMIM 276900.

Allele frequency attached by ClinVar (database versions not stated): gnomAD exomes 0.00004 and 0.00011; gnomAD 0.00005 and 0.00007; ExAC 0.00010; TOPMed 0.00011.
gnomAD v4.1: 73 of 1,612,244 alleles (0.0045%); highest among the groups gnomAD compares: Admixed American, 0.047%; no homozygotes.

Submissions (6):

PreventionGenetics, part of Exact Sciences
Classification: Uncertain significance for CDH23-related condition. Last evaluated: 2025-12-02. Review status: criteria provided, single submitter. Criteria: ACMG Guidelines, 2015. Collection method: clinical testing. Allele origin: germline.
Comment: The CDH23 c.4664G>A variant is predicted to result in the amino acid substitution p.Arg1555His. This variant was reported in an individual with retinal/optic nerve disease, although detailed clinical or genetic evidence was not presented (Table S12, Diñeiro et al. 2020. PubMed ID: 32483926). This variant is reported in 0.054% of alleles in individuals of Latino descent in gnomAD. At this time, the clinical significance of this variant is uncertain due to the absence of conclusive functional and genetic evidence.

GeneDx
Classification: Uncertain significance. Last evaluated: 2025-11-11. Review status: criteria provided, single submitter. Criteria: GeneDx Variant Classification Process June 2021. Collection method: clinical testing. Allele origin: germline.
Comment: Identified in a patient belonging to a cohort of individuals with syndromic or nonsyndromic inherited retinal dystrophies in published literature (PMID: 32483926) but additional evidence is not available; In silico analysis suggests that this missense variant does not alter protein structure/function; This variant is associated with the following publications: (PMID: 32483926)

Blueprint Genetics
Classification: Uncertain significance. Last evaluated: 2024-10-23. Review status: criteria provided, single submitter. Criteria: ACMG Guidelines, 2015. Collection method: clinical testing. Allele origin: germline.

Labcorp Genetics (formerly Invitae), Labcorp
Classification: Uncertain significance. Last evaluated: 2022-08-05. Review status: criteria provided, single submitter. Criteria: Invitae Variant Classification Sherloc (09022015). Collection method: clinical testing. Allele origin: germline.
Comment: This sequence change replaces arginine, which is basic and polar, with histidine, which is basic and polar, at codon 1555 of the CDH23 protein (p.Arg1555His). This variant is present in population databases (rs727502927, gnomAD 0.05%). This variant has not been reported in the literature in individuals affected with CDH23-related conditions. ClinVar contains an entry for this variant (Variation ID: 162912). Algorithms developed to predict the effect of missense changes on protein structure and function output the following: SIFT: "Tolerated"; PolyPhen-2: "Not Available"; Align-GVGD: "Class C0". The histidine amino acid residue is found in multiple mammalian species, which suggests that this missense change does not adversely affect protein function. In summary, the available evidence is currently insufficient to determine the role of this variant in disease. Therefore, it has been classified as a Variant of Uncertain Significance.

Laboratory for Molecular Medicine, Mass General Brigham Personalized Medicine
Classification: Uncertain significance. Last evaluated: 2013-07-09. Review status: criteria provided, single submitter. Criteria: LMM Criteria. Collection method: clinical testing. Allele origin: germline. Observed: 1 variant allele.
Comment: Variant classified as Uncertain Significance - Favor Benign. The Arg1555His vari ant in CDH23 has not been reported in individuals with hearing loss and was not identified in large population studies. The arginine (Arg) residue at position 1 555 is not conserved across species, with dog having a histidine (His) at this p osition. In addition, computational analyses (biochemical amino acid properties, conservation, AlignGVGD, PolyPhen2, and SIFT) suggest that the Arg1555His varia nt may not impact the protein. However, this information is not predictive enoug h to rule out pathogenicity. In summary, the clinical significance of this varia nt cannot be determined; however, based upon the conservation and computational data, we would lean towards a more likely benign role.

Natera, Inc.
Classification: Uncertain significance for Usher syndrome type 1. Last evaluated: 2020-02-09. Review status: no assertion criteria provided. Collection method: clinical testing. Allele origin: germline. Not counted in ClinVar's aggregate classification.